The following is an entry in ClinVar:

NM_004586.3(RPS6KA3):c.5_13del (p.Pro2_Ala4del)

Genes: RPS6KA3 (ribosomal protein S6 kinase A3; minus strand), LOC130068032 (ATAC-STARR-seq lymphoblastoid silent region 20696; plus strand). Cytogenetic location: Xp22.12.
Variant type: Deletion.
Coding change: c.5_13del on transcript NM_004586.3 (MANE Select); coding-DNA positions 5 to 13, 9 bases deleted (CGCTGGCGC; older notation c.5_13delCGCTGGCGC).
Protein change: p.Pro2_Ala4del.
Molecular consequence: inframe deletion, initiator codon variant.
Genome position (GRCh38, 1-based): chrX:20,266,620-20,266,628, GCGCCAGCG deleted on the plus strand (CGCTGGCGC on the coding strand, the reverse complement: RPS6KA3 is on the minus strand); deleting any 9 consecutive bases within chrX:20,266,620-20,266,630 gives the same sequence; the c. name uses the placement nearest the transcript's 3' end. VCF-style (leftmost placement, unchanged base first): chrX-20266619-TGCGCCAGCG-T. GRCh37 (hg19) VCF-style: chrX-20284737-TGCGCCAGCG-T.
Identifiers: ClinVar variation 3382009 (VCV003382009.2).

ClinVar aggregate classification (germline): Uncertain significance (1 of 4 stars; one submission).

Conditions:
Coffin-Lowry syndrome (CLS). Also called: COFFIN-LOWRY SYNDROME, MILD; Mental retardation with osteocartilaginous abnormalities. Identifiers: Orphanet 192, MedGen C0265252, MONDO:0010561, OMIM 303600.
Intellectual developmental disorder, X-linked 19. Also called: Intellectual disability, X-linked 19. Identifiers: Orphanet 777, MedGen C0796225, MONDO:0010447, OMIM 300844.

Submission:

Juno Genomics, Hangzhou Juno Genomics, Inc
Classification: Uncertain significance for Coffin-Lowry syndrome; Intellectual developmental disorder, X-linked 19. Review status: criteria provided, single submitter. Criteria: ACMG Guidelines, 2015. Collection method: clinical testing. Allele origin: germline. Affected: yes.
Comment: Absent from controls (or at extremely low frequency if recessive) in Genome Aggregation Database, Exome Sequencing Project, 1000 Genomes Project, or Exome Aggregation Consortium.;Protein length changes due to in-frame deletions/insertions in a non-repeat region or stop-loss variants.